The following is an entry in ClinVar:

ClinVar aggregate classification (germline): Uncertain significance (1 of 4 stars; one submission).

Conditions:
SPG11-related disorder. Also called: SPG11-related condition.

gnomAD v4.1: 2 of 1,614,212 alleles (0.00012%); highest among the groups gnomAD compares: Admixed American, 0.0017%; no homozygotes.

Submission:

PreventionGenetics, part of Exact Sciences
Classification: Uncertain significance for SPG11-related condition. Last evaluated: 2025-02-25. Review status: criteria provided, single submitter. Criteria: ACMG Guidelines, 2015. Collection method: clinical testing. Allele origin: germline.
Comment: The SPG11 c.616A>G variant is predicted to result in the amino acid substitution p.Thr206Ala. To our knowledge, this variant has not been reported in the literature or in a large population database (gnomAD), indicating this variant is rare. At this time, the clinical significance of this variant is uncertain due to the absence of conclusive functional and genetic evidence.

NM_025137.4(SPG11):c.616A>G (p.Thr206Ala)

Gene: SPG11 (SPG11 vesicle trafficking associated, spatacsin; minus strand). Cytogenetic location: 15q21.1.
Variant type: single nucleotide variant.
Coding change: c.616A>G on transcript NM_025137.4 (MANE Select); coding-DNA position 616, A replaced by G.
Protein change: p.Thr206Ala; replaces threonine 206 with alanine.
Molecular consequence: missense variant.
Genome position (GRCh38, 1-based): chr15:44,659,130, T>C on the plus strand (A>G on the coding strand, the complement: SPG11 is on the minus strand). VCF-style: chr15-44659130-T-C. GRCh37 (hg19) VCF-style: chr15-44951328-T-C.
Other names: c.616A>G, p.Thr206Ala (NM_001160227.2, NM_001411132.1); short protein forms T206A.
Identifiers: ClinVar variation 4986890 (VCV004986890.1).